The following is an entry in ClinVar:

ClinVar aggregate classification (germline): Likely benign (1 of 4 stars; one submission).

gnomAD v4.1: 9 of 1,490,524 alleles (0.0006%); highest among the groups gnomAD compares: Non-Finnish European, 0.00072%; no homozygotes.

Submission:

CeGaT Center for Human Genetics Tuebingen
Classification: Likely benign. Last evaluated: 2024-07-01. Review status: criteria provided, single submitter. Criteria: CeGaT Center For Human Genetics Tuebingen Variant Classification Criteria Version 2. Collection method: clinical testing. Allele origin: germline. Affected: yes. Observed: 1 variant allele.
Comment: CUX2: BP4, BP7

NM_015267.4(CUX2):c.1506C>T (p.Gly502=)

Gene: CUX2 (cut like homeobox 2; plus strand). Cytogenetic location: 12q24.12.
Variant type: single nucleotide variant.
Coding change: c.1506C>T on transcript NM_015267.4 (MANE Select); coding-DNA position 1506, C replaced by T.
Protein change: p.Gly502=; no amino-acid change (glycine 502 retained).
Molecular consequence: synonymous variant.
Genome position (GRCh38, 1-based): chr12:111,310,288, C>T. VCF-style: chr12-111310288-C-T. GRCh37 (hg19) VCF-style: chr12-111748092-C-T.
Other names: c.1320C>T, p.Gly440= (NM_001370598.1).
Identifiers: ClinVar variation 3257172 (VCV003257172.17).
Genomic context (GRCh38, chr12:111,310,288, plus strand): 5'-CAGCCTGGCATCAGGGGAGAGACTGATGATGCCCCCAGCCGCCTTCAAGGGAGAGGCGGG[C>T]GGCCTGCTGGTGTTCCCCCCAGCCTTCTATGGCGCCAAGCCCCCCACAGCCCCTGCCACC-3'
Protein context (NP_056082.2, residues 492-512): MPPAAFKGEA[Gly502=]GLLVFPPAFY